The following is an entry in ClinVar:

NM_006648.4(WNK2):c.3830C>T (p.Pro1277Leu)

Gene: WNK2 (WNK lysine deficient protein kinase 2; plus strand). Cytogenetic location: 9q22.31.
Variant type: single nucleotide variant.
Coding change: c.3830C>T on transcript NM_006648.4 (MANE Select); coding-DNA position 3830, C replaced by T.
Protein change: p.Pro1277Leu; replaces proline 1277 with leucine.
Molecular consequence: missense variant.
Genome position (GRCh38, 1-based): chr9:93,267,879, C>T. VCF-style: chr9-93267879-C-T. GRCh37 (hg19) VCF-style: chr9-96030161-C-T.
Other names: c.3830C>T, p.Pro1277Leu (NM_001282394.3); short protein forms P1277L.
Identifiers: ClinVar variation 3470427 (VCV003470427.1).

ClinVar aggregate classification (germline): Uncertain significance (1 of 4 stars; one submission).

gnomAD v4.1: 85 of 1,612,626 alleles (0.0053%); highest among the groups gnomAD compares: South Asian, 0.051%; no homozygotes.

Submission:

Ambry Genetics
Classification: Uncertain significance. Last evaluated: 2024-11-25. Review status: criteria provided, single submitter. Criteria: Ambry Variant Classification Scheme 2023. Collection method: clinical testing. Allele origin: germline.
Comment: The p.P1277L variant (also known as c.3830C>T), located in coding exon 16 of the WNK2 gene, results from a C to T substitution at nucleotide position 3830. The proline at codon 1277 is replaced by leucine, an amino acid with similar properties. This amino acid position is conserved. In addition, this alteration is predicted to be tolerated by in silico analysis. Based on the available evidence, the clinical significance of this variant remains unclear.